The following is an entry in ClinVar:

NM_181659.3(NCOA3):c.2810C>G (p.Ser937Cys)

Gene: NCOA3 (nuclear receptor coactivator 3; plus strand). Cytogenetic location: 20q13.12.
Variant type: single nucleotide variant.
Coding change: c.2810C>G on transcript NM_181659.3 (MANE Select); coding-DNA position 2810, C replaced by G.
Protein change: p.Ser937Cys; replaces serine 937 with cysteine.
Molecular consequence: missense variant.
Genome position (GRCh38, 1-based): chr20:47,639,679, C>G. VCF-style: chr20-47639679-C-G. GRCh37 (hg19) VCF-style: chr20-46268423-C-G.
Other names: c.2810C>G, p.Ser937Cys (NM_001174087.2, NM_006534.4); c.2795C>G, p.Ser932Cys (NM_001174088.2); short protein forms S932C, S937C.
Identifiers: ClinVar variation 1185585 (VCV001185585.1), dbSNP rs142951578, ClinGen allele CA9894888.

ClinVar aggregate classification (germline): Pathogenic (1 of 4 stars; one submission).

Conditions:
Bilateral sensorineural hearing impairment. Also called: Bilateral sensorineural hearing loss. Identifiers: MedGen C0452138, HP:0008619.

Allele frequency attached by ClinVar (database versions not stated): gnomAD exomes 0.00035; TOPMed 0.00035; gnomAD 0.00037 and 0.00042; ExAC 0.00046; ESP Exome Variant Server 0.00054; 1000 Genomes Project 0.00100; 1000 Genomes Project 30x 0.00156.
gnomAD v4.1: 380 of 1,614,106 alleles (0.024%); highest among the groups gnomAD compares: Middle Eastern, 0.28%; 5 homozygotes.

Submission:

Laboratory of Human Genetics, Institute of Biosciences - University of Sao Paulo
Classification: Pathogenic for Bilateral sensorineural hearing impairment. Review status: criteria provided, single submitter. Criteria: ClinGen HL ACMG Specifications v1. Collection method: research, in vivo. Allele origin: germline, not applicable. Affected: yes. Observed: 7 heterozygotes. Clinical features observed: Postlingual sensorineural hearing impairment (HP:0008596), Progressive sensorineural hearing impairment (HP:0000408). Segregation with disease observed.
Comment: pathogenic missense heterozygous variant was found to segregate with HL in ten members of the same family, two members had the variant but they did not manifest the HL to date. Neverthless, functional sutdies demostrated that a knockout zebrafish has altered development of the inner ear and the adult spercimes exhibit abnormal hearing behaviour

Literature cited by the submitters: PubMed 34652575; PubMed 33326993; PubMed 19461658.